The following is an entry in ClinVar:

ClinVar aggregate classification (germline): Pathogenic (1 of 4 stars; one submission).

Conditions:
Bardet-Biedl syndrome (BBS). Identifiers: Orphanet 110, MedGen C0752166, MONDO:0015229.

Submission:

Labcorp Genetics (formerly Invitae), Labcorp
Classification: Pathogenic for Bardet-Biedl syndrome. Last evaluated: 2024-01-16. Review status: criteria provided, single submitter. Criteria: Invitae Variant Classification Sherloc (09022015). Collection method: clinical testing. Allele origin: unknown.
Comment: This variant is a gross deletion of the genomic region encompassing exon(s) 1 of the BBS4 gene, which includes the initiator codon. This deletion extends beyond the assayed region for this gene and therefore may encompass additional genes. It is expected to result in an absent or disrupted protein product. Loss-of-function variants in BBS4 are known to be pathogenic (PMID: 11381270, 12016587, 20177705, 27894351). A similar copy number variant has been observed in individual(s) with Bardet-Biedl syndrome (PMID: 32483926). For these reasons, this variant has been classified as Pathogenic.

Literature cited by the submitters: PubMed 11381270; PubMed 12016587; PubMed 20177705; PubMed 27894351; PubMed 32483926.

NC_000015.9:g.(?_72978569)_(72978612_?)del

Gene: BBS4 (Bardet-Biedl syndrome 4; plus strand). Cytogenetic location: 15q24.1.
Variant type: Deletion.
Identifiers: ClinVar variation 3243765 (VCV003243765.1).